The following is an entry in ClinVar:

ClinVar aggregate classification (germline): Benign/Likely benign. Review status: criteria provided, multiple submitters, no conflicts (2 of 4 stars). 6 submissions from 6 submitters: Benign (4); Likely benign (1). 1 of the submissions does not count toward it. Last evaluated 2026-01-28.

Conditions:
X-linked Alport syndrome (ATS1). Also called: COL4A5-Related Nephropathy; NEPHROPATHY AND DEAFNESS, X-LINKED. Identifiers: Orphanet 63, Orphanet 88917, MedGen C4746986, MONDO:0010520, OMIM 301050.
Kidney disorder. Also called: Kidney disease; Kidney Diseases; renal disease; Nephropathy; renal disorder. Identifiers: MedGen C0022658, MONDO:0005240, HP:0000112.

Allele frequency attached by ClinVar (database versions not stated): gnomAD exomes 0.00084 and 0.00245; ExAC 0.00337; gnomAD 0.00859 and 0.00920; TOPMed 0.00988; ESP Exome Variant Server 0.01155; 1000 Genomes Project 0.01166; 1000 Genomes Project 30x 0.01228.
gnomAD v4.1: 1,950 of 1,208,910 alleles (0.16%); highest among the groups gnomAD compares: African/African-American, 2.9%; 25 homozygotes.

Submissions (6):

Labcorp Genetics (formerly Invitae), Labcorp
Classification: Benign. Last evaluated: 2026-01-28. Review status: criteria provided, single submitter. Criteria: Invitae Variant Classification Sherloc (09022015). Collection method: clinical testing. Allele origin: germline.

Mayo Clinic Laboratories, Mayo Clinic
Classification: Benign. Last evaluated: 2025-10-08. Review status: criteria provided, single submitter. Criteria: ACMG Guidelines, 2015. Collection method: clinical testing. Allele origin: germline. Observed: 1 variant allele.
Comment: BS1, BS2, BP4, BP7

Genome Diagnostics Laboratory, The Hospital for Sick Children
Classification: Likely benign for Kidney disorder. Last evaluated: 2019-12-01. Review status: criteria provided, single submitter. Criteria: ACMG Guidelines, 2015. Collection method: clinical testing. Allele origin: germline.

Laboratory for Molecular Medicine, Mass General Brigham Personalized Medicine
Classification: Benign. Last evaluated: 2016-03-21. Review status: criteria provided, single submitter. Criteria: LMM Criteria. Collection method: clinical testing. Allele origin: germline. Observed: 1 variant allele.
Comment: p.Gly1500Gly in exon 49 of COL4A5: This variant is not expected to have clinical significance because it does not alter an amino acid residue, is not located wi thin the splice consensus sequence, and has been identified in 3.14% (266/8483) of African chromosomes by the Exome Aggregation Consortium (ExAC; dbSNP rs145378707).

Breakthrough Genomics
Classification: Benign. Review status: criteria provided, single submitter. Criteria: ACMG Guidelines, 2015. Collection method: not provided. Allele origin: germline. Inheritance: X-linked inheritance. Affected: yes.

Natera, Inc.
Classification: Likely benign for X-linked Alport syndrome. Last evaluated: 2019-10-22. Review status: no assertion criteria provided. Collection method: clinical testing. Allele origin: germline. Not counted in ClinVar's aggregate classification.

NM_033380.3(COL4A5):c.4500A>G (p.Gly1500=)

Gene: COL4A5 (collagen type IV alpha 5 chain; plus strand). Cytogenetic location: Xq22.3.
Variant type: single nucleotide variant.
Coding change: c.4500A>G on transcript NM_033380.3 (MANE Select); coding-DNA position 4500, A replaced by G.
Protein change: p.Gly1500=; no amino-acid change (glycine 1500 retained).
Molecular consequence: synonymous variant.
Genome position (GRCh38, 1-based): chrX:108,687,666, A>G. VCF-style: chrX-108687666-A-G. GRCh37 (hg19) VCF-style: chrX-107930896-A-G.
Other names: p.Gly1494=; c.4482A>G, p.Gly1494= (NM_000495.5).
Identifiers: ClinVar variation 666622 (VCV000666622.20), dbSNP rs145378707, ClinGen allele CA10489361.